The following is an entry in ClinVar:

NM_018109.4(MTPAP):c.1208A>C (p.Lys403Thr)

Gene: MTPAP (mitochondrial poly(A) polymerase; minus strand). Cytogenetic location: 10p11.23.
Variant type: single nucleotide variant.
Coding change: c.1208A>C on transcript NM_018109.4 (MANE Select); coding-DNA position 1208, A replaced by C.
Protein change: p.Lys403Thr; replaces lysine 403 with threonine.
Molecular consequence: missense variant.
Genome position (GRCh38, 1-based): chr10:30,322,402, T>G on the plus strand (A>C on the coding strand, the complement: MTPAP is on the minus strand). VCF-style: chr10-30322402-T-G. GRCh37 (hg19) VCF-style: chr10-30611331-T-G.
Other names: short protein forms K403T.
Identifiers: ClinVar variation 1349432 (VCV001349432.3), dbSNP rs368194701, ClinGen allele CA5459023.

ClinVar aggregate classification (germline): Uncertain significance (1 of 4 stars; one submission).

Allele frequency attached by ClinVar (database versions not stated): gnomAD exomes below 0.00001; ExAC 0.00001; gnomAD 0.00002; TOPMed 0.00002; ESP Exome Variant Server 0.00008.
gnomAD v4.1: 4 of 1,605,682 alleles (0.00025%); highest among the groups gnomAD compares: African/African-American, 0.0054%; no homozygotes.

Submission:

Labcorp Genetics (formerly Invitae), Labcorp
Classification: Uncertain significance. Last evaluated: 2022-06-13. Review status: criteria provided, single submitter. Criteria: Invitae Variant Classification Sherloc (09022015). Collection method: clinical testing. Allele origin: germline.
Comment: This sequence change replaces lysine, which is basic and polar, with threonine, which is neutral and polar, at codon 403 of the MTPAP protein (p.Lys403Thr). This variant is present in population databases (rs368194701, gnomAD 0.008%). This variant has not been reported in the literature in individuals affected with MTPAP-related conditions. Algorithms developed to predict the effect of missense changes on protein structure and function are either unavailable or do not agree on the potential impact of this missense change (SIFT: "Deleterious"; PolyPhen-2: "Benign"; Align-GVGD: "Class C0"). In summary, the available evidence is currently insufficient to determine the role of this variant in disease. Therefore, it has been classified as a Variant of Uncertain Significance.